The following is an entry in ClinVar:

ClinVar aggregate classification (germline): Likely benign. Review status: criteria provided, single submitter (1 of 4 stars). 2 submissions from 2 submitters: Likely benign (1). 1 of the submissions does not count toward it. Last evaluated 2025-10-29.

Conditions:
FGFR2-related disorder. Identifiers: MedGen CN380096.
FGFR2-related craniosynostosis. Identifiers: MedGen CN231480.

Allele frequency attached by ClinVar (database versions not stated): ExAC 0.00007; ESP Exome Variant Server 0.00008.
gnomAD v4.1: 78 of 1,614,060 alleles (0.0048%); highest among the groups gnomAD compares: African/African-American, 0.051%; 1 homozygote.

Submissions (2):

Labcorp Genetics (formerly Invitae), Labcorp
Classification: Likely benign for FGFR2-related craniosynostosis. Last evaluated: 2025-10-29. Review status: criteria provided, single submitter. Criteria: Invitae Variant Classification Sherloc (09022015). Collection method: clinical testing. Allele origin: germline.

PreventionGenetics, part of Exact Sciences
Classification: Likely benign for FGFR2-related condition. Last evaluated: 2019-10-14. Review status: no assertion criteria provided. Collection method: clinical testing. Allele origin: germline. Not counted in ClinVar's aggregate classification.
Comment: This variant is classified as likely benign based on ACMG/AMP sequence variant interpretation guidelines (Richards et al. 2015 PMID: 25741868, with internal and published modifications).

NM_000141.5(FGFR2):c.543C>T (p.Ala181=)

Gene: FGFR2 (fibroblast growth factor receptor 2; minus strand). Cytogenetic location: 10q26.13.
Variant type: single nucleotide variant.
Coding change: c.543C>T on transcript NM_000141.5 (MANE Select); coding-DNA position 543, C replaced by T.
Protein change: p.Ala181=; no amino-acid change (alanine 181 retained).
Molecular consequence: synonymous variant. On other transcripts: non-coding transcript variant (1).
Genome position (GRCh38, 1-based): chr10:121,551,371, G>A on the plus strand (C>T on the coding strand, the complement: FGFR2 is on the minus strand). VCF-style: chr10-121551371-G-A. GRCh37 (hg19) VCF-style: chr10-123310885-G-A.
Other names: c.543C>T, p.Ala181= (NM_001144913.1, NM_001144914.1, NM_001144917.2 and 2 more transcripts); c.276C>T, p.Ala92= (NM_001144915.2, NM_001144919.2, NM_023029.3); c.198C>T, p.Ala66= (NM_001144916.2, NM_001144918.2).
Identifiers: ClinVar variation 1096635 (VCV001096635.11), dbSNP rs150598483, ClinGen allele CA5721106.